The following is an entry in ClinVar:

NM_000548.5(TSC2):c.848G>A (p.Arg283Lys)

Gene: TSC2 (TSC complex subunit 2; plus strand). Cytogenetic location: 16p13.3.
Variant type: single nucleotide variant.
Coding change: c.848G>A on transcript NM_000548.5 (MANE Select); coding-DNA position 848, G replaced by A.
Protein change: p.Arg283Lys; replaces arginine 283 with lysine.
Molecular consequence: missense variant.
Genome position (GRCh38, 1-based): chr16:2,057,178, G>A. VCF-style: chr16-2057178-G-A. GRCh37 (hg19) VCF-style: chr16-2107179-G-A.
Other names: c.848G>A, p.Arg283Lys (NM_001077183.3, NM_001114382.3, NM_001363528.2 and 3 more transcripts); c.737G>A, p.Arg246Lys (NM_001318827.2); c.701G>A, p.Arg234Lys (NM_001318829.2); c.248G>A, p.Arg83Lys (NM_001318831.2); c.881G>A, p.Arg294Lys (NM_001318832.2); short protein forms R246K, R83K, R234K, R283K, R294K.
Identifiers: ClinVar variation 1348115 (VCV001348115.10), dbSNP rs1255519055, ClinGen allele CA394313591.
Genomic context (GRCh38, chr16:2,057,178, plus strand): 5'-TCCTTGGCACCCACCTGGGCCACAGCGCCATCTACAACATGTGCCACCTCATGGAGGACA[G>A]GTGAGTGTGGTGGGTGGGGCGCAGGGCAGTGGAGGCCAGCACAGCCCTCGGGGCAGCTCC-3'
Protein context (NP_000539.2, residues 273-293): IYNMCHLMED[Arg283Lys]AYMEDAPLLR

ClinVar aggregate classification (germline): Conflicting classifications of pathogenicity. Review status: criteria provided, conflicting classifications (1 of 4 stars). 4 submissions from 4 submitters: Uncertain significance (1); Likely benign (3). Last evaluated 2025-06-18.

Conditions:
Tuberous sclerosis 2 (TSC2). Identifiers: Orphanet 805, MedGen C1860707, MONDO:0013199, OMIM 613254.
Hereditary cancer-predisposing syndrome. Also called: Hereditary Cancer Syndrome; Neoplastic Syndromes, Hereditary; Tumor predisposition; Hereditary neoplastic syndrome. Identifiers: Orphanet 140162, MedGen C0027672, MeSH D009386, MONDO:0015356.
Tuberous sclerosis syndrome (TSC). Also called: Tuberous Sclerosis Complex; Tuberous sclerosis. Identifiers: Orphanet 805, MedGen C0041341, MONDO:0001734.

Allele frequency attached by ClinVar (database versions not stated): gnomAD exomes 0.00001 and 0.00003; gnomAD 0.00002.
gnomAD v4.1: 18 of 1,551,596 alleles (0.0012%); highest among the groups gnomAD compares: South Asian, 0.019%; no homozygotes.

Submissions (4):

Labcorp Genetics (formerly Invitae), Labcorp
Classification: Likely benign for Tuberous sclerosis 2. Last evaluated: 2025-06-18. Review status: criteria provided, single submitter. Criteria: Invitae Variant Classification Sherloc (09022015). Collection method: clinical testing. Allele origin: germline.

Myriad Genetics, Inc.
Classification: Likely benign for Tuberous sclerosis 2. Last evaluated: 2024-08-27. Review status: criteria provided, single submitter. Criteria: Myriad Autosomal Dominant, Autosomal Recessive and X-Linked Classification Criteria (2023). Collection method: clinical testing. Allele origin: unknown.
Comment: This variant is considered likely benign. This variant has been observed at a population frequency that is significantly greater than expected given the associated disease prevalence and penetrance.

All of Us Research Program, National Institutes of Health
Classification: Uncertain significance for Tuberous sclerosis syndrome. Last evaluated: 2023-08-15. Review status: criteria provided, single submitter. Criteria: ACMG Guidelines, 2015. Collection method: clinical testing. Allele origin: germline. Inheritance: Autosomal dominant inheritance. Observed: 1 variant allele, 1 heterozygote.
Comment: This missense variant replaces arginine with lysine at codon 283 of the TSC2 protein. Computational prediction suggests that this variant may not impact protein structure and function (internally defined REVEL score threshold <= 0.5, PMID: 27666373). To our knowledge, functional studies have not been reported for this variant. This variant has not been reported in individuals affected with TSC2-related disorders in the literature. This variant has been identified in 4/156586 chromosomes in the general population by the Genome Aggregation Database (gnomAD). The available evidence is insufficient to determine the role of this variant in disease conclusively. Therefore, this variant is classified as a Variant of Uncertain Significance.

This study involves interpretation of variants in research participants for the purpose of population health screening. Participant phenotype was not available at the time of variant classification. Additional details can be found in publication PMID: 35346344, PMCID: PMC8962531

Ambry Genetics
Classification: Likely benign for Hereditary cancer-predisposing syndrome. Last evaluated: 2021-07-08. Review status: criteria provided, single submitter. Criteria: Ambry Variant Classification Scheme 2023. Collection method: clinical testing. Allele origin: germline.